The following is an entry in ClinVar:

ClinVar aggregate classification (germline): Uncertain significance (1 of 4 stars; one submission).

Conditions:
Glycogen storage disease IXb (GSD9B). Also called: GLYCOGENOSIS OF LIVER AND MUSCLE, AUTOSOMAL RECESSIVE; GSD IXb; PHOSPHORYLASE KINASE DEFICIENCY OF LIVER AND MUSCLE, AUTOSOMAL RECESSIVE. Identifiers: Orphanet 79240, MedGen C0543514, MONDO:0009868, OMIM 261750.

Submission:

Labcorp Genetics (formerly Invitae), Labcorp
Classification: Uncertain significance for Glycogen storage disease IXb. Last evaluated: 2022-08-12. Review status: criteria provided, single submitter. Criteria: Invitae Variant Classification Sherloc (09022015). Collection method: clinical testing. Allele origin: germline.
Comment: In summary, the available evidence is currently insufficient to determine the role of this variant in disease. Therefore, it has been classified as a Variant of Uncertain Significance. Algorithms developed to predict the effect of missense changes on protein structure and function are either unavailable or do not agree on the potential impact of this missense change (SIFT: "Deleterious"; PolyPhen-2: "Possibly Damaging"; Align-GVGD: "Class C0"). This variant has not been reported in the literature in individuals affected with PHKB-related conditions. This variant is not present in population databases (gnomAD no frequency). This sequence change replaces glutamic acid, which is acidic and polar, with valine, which is neutral and non-polar, at codon 687 of the PHKB protein (p.Glu687Val).

NM_000293.3(PHKB):c.2060A>T (p.Glu687Val)

Gene: PHKB (phosphorylase kinase regulatory subunit beta; plus strand). Cytogenetic location: 16q12.1.
Variant type: single nucleotide variant.
Coding change: c.2060A>T on transcript NM_000293.3 (MANE Select); coding-DNA position 2060, A replaced by T.
Protein change: p.Glu687Val; replaces glutamic acid 687 with valine.
Molecular consequence: missense variant.
Genome position (GRCh38, 1-based): chr16:47,660,683, A>T. VCF-style: chr16-47660683-A-T. GRCh37 (hg19) VCF-style: chr16-47694594-A-T.
Other names: c.2039A>T, p.Glu680Val (NM_001031835.3); c.2060A>T, p.Glu687Val (NM_001363837.1); short protein forms E680V, E687V.
Identifiers: ClinVar variation 1716216 (VCV001716216.5), dbSNP rs2506606331, ClinGen allele CA395788704.